The following is an entry in ClinVar:

NM_030957.4(ADAMTS10):c.146A>G (p.His49Arg)

Gene: ADAMTS10 (ADAM metallopeptidase with thrombospondin type 1 motif 10; minus strand). Cytogenetic location: 19p13.2.
Variant type: single nucleotide variant.
Coding change: c.146A>G on transcript NM_030957.4 (MANE Select); coding-DNA position 146, A replaced by G.
Protein change: p.His49Arg; replaces histidine 49 with arginine.
Molecular consequence: missense variant.
Genome position (GRCh38, 1-based): chr19:8,605,301, T>C on the plus strand (A>G on the coding strand, the complement: ADAMTS10 is on the minus strand). VCF-style: chr19-8605301-T-C. GRCh37 (hg19) VCF-style: chr19-8670186-T-C.
Other names: p.His49Arg; short protein forms H49R.
Identifiers: ClinVar variation 893677 (VCV000893677.7), dbSNP rs1555742346, ClinGen allele CA403757846.

ClinVar aggregate classification (germline): Uncertain significance. Review status: criteria provided, multiple submitters, no conflicts (2 of 4 stars). 3 submissions from 3 submitters: Uncertain significance (3). Last evaluated 2025-12-24.

Conditions:
Weill-Marchesani syndrome. Also called: WM Syndrome; Mesodermal dysmorphodystrophy congenital. Identifiers: Orphanet 3449, MedGen C0265313, MONDO:0018096.

Allele frequency attached by ClinVar (database versions not stated): gnomAD exomes 0.00001.
gnomAD v4.1: 6 of 1,612,034 alleles (0.00037%); highest among the groups gnomAD compares: Non-Finnish European, 0.00051%; no homozygotes.

Submissions (3):

Labcorp Genetics (formerly Invitae), Labcorp
Classification: Uncertain significance. Last evaluated: 2025-12-24. Review status: criteria provided, single submitter. Criteria: Invitae Variant Classification Sherloc (09022015). Collection method: clinical testing. Allele origin: germline.
Comment: This sequence change replaces histidine, which is basic and polar, with arginine, which is basic and polar, at codon 49 of the ADAMTS10 protein (p.His49Arg). This variant is not present in population databases (gnomAD no frequency). This variant has not been reported in the literature in individuals affected with ADAMTS10-related conditions. ClinVar contains an entry for this variant (Variation ID: 893677). An algorithm developed to predict the effect of missense changes on protein structure and function (PolyPhen-2) suggests that this variant is likely to be tolerated. In summary, the available evidence is currently insufficient to determine the role of this variant in disease. Therefore, it has been classified as a Variant of Uncertain Significance.

Mayo Clinic Laboratories, Mayo Clinic
Classification: Uncertain significance. Last evaluated: 2025-03-04. Review status: criteria provided, single submitter. Criteria: ACMG Guidelines, 2015. Collection method: clinical testing. Allele origin: germline. Observed: 1 variant allele.
Comment: BP4_moderate, PM2_supporting

Illumina Laboratory Services, Illumina
Classification: Uncertain significance for Weill-Marchesani syndrome. Last evaluated: 2018-01-13. Review status: criteria provided, single submitter. Criteria: ICSL Variant Classification Criteria 13 December 2019. Collection method: clinical testing. Allele origin: germline.